The following is an entry in ClinVar:

ClinVar aggregate classification (germline): Uncertain significance. Review status: criteria provided, multiple submitters, no conflicts (2 of 4 stars). 2 submissions from 2 submitters: Uncertain significance (2). Last evaluated 2023-08-16.

Submissions (2):

Labcorp Genetics (formerly Invitae), Labcorp
Classification: Uncertain significance. Last evaluated: 2023-08-16. Review status: criteria provided, single submitter. Criteria: Invitae Variant Classification Sherloc (09022015). Collection method: clinical testing. Allele origin: germline.
Comment: This sequence change replaces proline, which is neutral and non-polar, with serine, which is neutral and polar, at codon 702 of the COL11A1 protein (p.Pro702Ser). This variant is not present in population databases (gnomAD no frequency). This variant has not been reported in the literature in individuals affected with COL11A1-related conditions. Advanced modeling of protein sequence and biophysical properties (such as structural, functional, and spatial information, amino acid conservation, physicochemical variation, residue mobility, and thermodynamic stability) performed at Invitae indicates that this missense variant is not expected to disrupt COL11A1 protein function. In summary, the available evidence is currently insufficient to determine the role of this variant in disease. Therefore, it has been classified as a Variant of Uncertain Significance.

Blueprint Genetics
Classification: Uncertain significance. Last evaluated: 2022-11-18. Review status: criteria provided, single submitter. Criteria: ACMG Guidelines, 2015. Collection method: clinical testing. Allele origin: germline.

NM_001854.4(COL11A1):c.2104C>T (p.Pro702Ser)

Gene: COL11A1 (collagen type XI alpha 1 chain; minus strand). Cytogenetic location: 1p21.1.
Variant type: single nucleotide variant.
Coding change: c.2104C>T on transcript NM_001854.4 (MANE Select); coding-DNA position 2104, C replaced by T.
Protein change: p.Pro702Ser; replaces proline 702 with serine.
Molecular consequence: missense variant. On other transcripts: non-coding transcript variant (1).
Genome position (GRCh38, 1-based): chr1:103,001,963, G>A on the plus strand (C>T on the coding strand, the complement: COL11A1 is on the minus strand). VCF-style: chr1-103001963-G-A. GRCh37 (hg19) VCF-style: chr1-103467519-G-A.
Other names: c.1756C>T, p.Pro586Ser (NM_001168249.1, NM_080630.4); c.1987C>T, p.Pro663Ser (NM_001190709.2); c.2140C>T, p.Pro714Ser (NM_080629.3); short protein forms P663S, P702S, P714S, P586S.
Identifiers: ClinVar variation 2832620 (VCV002832620.4), dbSNP rs866684077, ClinGen allele CA27727829.
Genomic context (GRCh38, chr1:103,001,963, plus strand): 5'-CGAGAACAACAGAGTAACTTACTTTTTCACCAGGAGGACCAATTGGACCTTGTGGACCAG[G>A]AAGACCCTATTTTAAAAGAATTTATTTCATATATCAGATATCAAATCACAGTAATATGCT-3'
Protein context (NP_001845.3, residues 692-712): QQGNPGPQGL[Pro702Ser]GPQGPIGPPG